The following is an entry in ClinVar:

ClinVar aggregate classification (germline): Likely benign (1 of 4 stars; one submission).

Conditions:
Leigh syndrome (NULS). Also called: Leigh's necrotizing encephalopathy; Leigh's disease; Leigh's syndrome; LEIGH SYNDROME, NUCLEAR; Leigh Syndrome (mtDNA deletion); Leigh Disease. Identifiers: Orphanet 506, MedGen C2931891, MONDO:0009723, OMIM 256000.

Submission:

Wong Mito Lab, Molecular and Human Genetics, Baylor College of Medicine
Classification: Likely benign for Leigh syndrome. Last evaluated: 2019-10-17. Review status: criteria provided, single submitter. Criteria: Modified ACMG Guidelines (Unpublished). Collection method: clinical testing. Allele origin: germline.
Comment: The NC_012920.1:m.15650G>A (YP_003024038.1:p.Ala302Thr) variant in MTCYB gene is interpretated to be a Likely Benign variant based on the modified ACMG guidelines (unpublished). This variant meets the following evidence codes: BS1, BP4

NC_012920.1(MT-CYB):m.15650G>A

Gene: MT-CYB (mitochondrially encoded cytochrome b; plus strand).
Variant type: single nucleotide variant.
Genome position: chrM-15650-G-A.
Identifiers: ClinVar variation 693921 (VCV000693921.1), dbSNP rs1556424635, ClinGen allele CA913174458.